The following is an entry in ClinVar:

NM_020433.5(JPH2):c.92G>A (p.Gly31Asp)

Gene: JPH2 (junctophilin 2; minus strand). Cytogenetic location: 20q13.12.
Variant type: single nucleotide variant.
Coding change: c.92G>A on transcript NM_020433.5 (MANE Select); coding-DNA position 92, G replaced by A.
Protein change: p.Gly31Asp; replaces glycine 31 with aspartic acid.
Molecular consequence: missense variant.
Genome position (GRCh38, 1-based): chr20:44,186,614, C>T on the plus strand (G>A on the coding strand, the complement: JPH2 is on the minus strand). VCF-style: chr20-44186614-C-T. GRCh37 (hg19) VCF-style: chr20-42815254-C-T.
Other names: c.92G>A, p.Gly31Asp (NM_175913.4); short protein forms G31D.
Identifiers: ClinVar variation 578344 (VCV000578344.10), dbSNP rs1569226648, ClinGen allele CA409095550.
Genomic context (GRCh38, chr20:44,186,614, plus strand): 5'-ACACCTGCCACCTCAAAGCCAAAGTTCCAGGAGCCAGAGTATTCGCCCTGGCCCTTGGGG[C>T]CTGTGCACAGTCCATGCCCATGGGCCTTTCCCCCCTCCCAGCCCCCGCAGTACGCCCCTC-3'
Protein context (NP_065166.2, residues 21-41): GKAHGHGLCT[Gly31Asp]PKGQGEYSGS

ClinVar aggregate classification (germline): Uncertain significance. Review status: criteria provided, multiple submitters, no conflicts (2 of 4 stars). 2 submissions from 2 submitters: Uncertain significance (2). Last evaluated 2023-07-24.

Conditions:
Hypertrophic cardiomyopathy. Also called: HYPERTROPHIC MYOCARDIOPATHY. Identifiers: Orphanet 217569, MedGen C0007194, MeSH D002312, MONDO:0005045, HP:0001639.
Cardiovascular phenotype. Identifiers: MedGen CN230736.

Submissions (2):

Ambry Genetics
Classification: Uncertain significance for Cardiovascular phenotype. Last evaluated: 2023-07-24. Review status: criteria provided, single submitter. Criteria: Ambry Variant Classification Scheme 2023. Collection method: clinical testing. Allele origin: germline.
Comment: The p.G31D variant (also known as c.92G>A), located in coding exon 1 of the JPH2 gene, results from a G to A substitution at nucleotide position 92. The glycine at codon 31 is replaced by aspartic acid, an amino acid with similar properties. This amino acid position is highly conserved in available vertebrate species. In addition, this alteration is predicted to be deleterious by in silico analysis. Since supporting evidence is limited at this time, the clinical significance of this alteration remains unclear.

Labcorp Genetics (formerly Invitae), Labcorp
Classification: Uncertain significance for Hypertrophic cardiomyopathy. Last evaluated: 2018-03-24. Review status: criteria provided, single submitter. Criteria: Invitae Variant Classification Sherloc (09022015). Collection method: clinical testing. Allele origin: germline.
Comment: This variant is not present in population databases (ExAC no frequency). In summary, the available evidence is currently insufficient to determine the role of this variant in disease. Therefore, it has been classified as a Variant of Uncertain Significance. Algorithms developed to predict the effect of missense changes on protein structure and function (SIFT, PolyPhen-2, Align-GVGD) all suggest that this variant is likely to be disruptive, but these predictions have not been confirmed by published functional studies and their clinical significance is uncertain. This variant has not been reported in the literature in individuals with JPH2-related disease. This sequence change replaces glycine with aspartic acid at codon 31 of the JPH2 protein (p.Gly31Asp). The glycine residue is highly conserved and there is a moderate physicochemical difference between glycine and aspartic acid.